The following is an entry in ClinVar:

ClinVar aggregate classification (germline): Uncertain significance (1 of 4 stars; one submission).

Submission:

GeneDx
Classification: Uncertain significance. Last evaluated: 2024-02-26. Review status: criteria provided, single submitter. Criteria: GeneDx Variant Classification Process June 2021. Collection method: clinical testing. Allele origin: germline. Affected: yes.
Comment: Not observed at significant frequency in large population cohorts (gnomAD); In silico analysis supports that this missense variant does not alter protein structure/function; Has not been previously published as pathogenic or benign to our knowledge

NM_016333.4(SRRM2):c.4548A>C (p.Arg1516Ser)

Gene: SRRM2 (serine/arginine repetitive matrix 2; plus strand). Cytogenetic location: 16p13.3.
Variant type: single nucleotide variant.
Coding change: c.4548A>C on transcript NM_016333.4 (MANE Select); coding-DNA position 4548, A replaced by C.
Protein change: p.Arg1516Ser; replaces arginine 1516 with serine.
Molecular consequence: missense variant.
Genome position (GRCh38, 1-based): chr16:2,765,076, A>C. VCF-style: chr16-2765076-A-C. GRCh37 (hg19) VCF-style: chr16-2815077-A-C.
Other names: short protein forms R1516S.
Identifiers: ClinVar variation 3369916 (VCV003369916.1).